The following is an entry in ClinVar:

ClinVar aggregate classification (germline): Likely benign (0 of 4 stars; one submission).

Conditions:
SOX8-related disorder. Also called: SOX8-related condition.

Allele frequency attached by ClinVar (database versions not stated): gnomAD exomes 0.00084; ExAC 0.00414; 1000 Genomes Project 0.00779; 1000 Genomes Project 30x 0.00781; gnomAD 0.00843; ESP Exome Variant Server 0.00847; TOPMed 0.00969.
gnomAD v4.1: 2,447 of 1,480,234 alleles (0.17%); highest among the groups gnomAD compares: African/African-American, 3%; 36 homozygotes.

Submission:

PreventionGenetics, part of Exact Sciences
Classification: Likely benign for SOX8-related condition. Last evaluated: 2019-03-25. Review status: no assertion criteria provided. Collection method: clinical testing. Allele origin: germline.
Comment: This variant is classified as likely benign based on ACMG/AMP sequence variant interpretation guidelines (Richards et al. 2015 PMID: 25741868, with internal and published modifications).

NM_014587.5(SOX8):c.375G>A (p.Pro125=)

Gene: SOX8 (SRY-box transcription factor 8; plus strand). Cytogenetic location: 16p13.3.
Variant type: single nucleotide variant.
Coding change: c.375G>A on transcript NM_014587.5 (MANE Select); coding-DNA position 375, G replaced by A.
Protein change: p.Pro125=; no amino-acid change (proline 125 retained).
Molecular consequence: synonymous variant.
Genome position (GRCh38, 1-based): chr16:982,297, G>A. VCF-style: chr16-982297-G-A. GRCh37 (hg19) VCF-style: chr16-1032297-G-A.
Identifiers: ClinVar variation 3035417 (VCV003035417.2), dbSNP rs146760359, ClinGen allele CA7798121.